The following is an entry in ClinVar:

NM_021008.4(DEAF1):c.815T>C (p.Leu272Ser)

Gene: DEAF1 (DEAF1 transcription factor; minus strand). Cytogenetic location: 11p15.5.
Variant type: single nucleotide variant.
Coding change: c.815T>C on transcript NM_021008.4 (MANE Select); coding-DNA position 815, T replaced by C.
Protein change: p.Leu272Ser; replaces leucine 272 with serine.
Molecular consequence: missense variant. On other transcripts: synonymous variant (1).
Genome position (GRCh38, 1-based): chr11:684,953, A>G on the plus strand (T>C on the coding strand, the complement: DEAF1 is on the minus strand). VCF-style: chr11-684953-A-G. GRCh37 (hg19) VCF-style: chr11-684953-A-G.
Other names: c.675T>C, p.Leu225= (NM_001293634.2); c.89T>C, p.Leu30Ser (NM_001367390.1); short protein forms L272S, L30S.
Identifiers: ClinVar variation 1456124 (VCV001456124.7), dbSNP rs2133395081, ClinGen allele CA378930320.

ClinVar aggregate classification (germline): Pathogenic (1 of 4 stars; one submission).

Submission:

Labcorp Genetics (formerly Invitae), Labcorp
Classification: Pathogenic. Last evaluated: 2022-07-06. Review status: criteria provided, single submitter. Criteria: Invitae Variant Classification Sherloc (09022015). Collection method: clinical testing. Allele origin: germline.
Comment: Advanced modeling of protein sequence and biophysical properties (such as structural, functional, and spatial information, amino acid conservation, physicochemical variation, residue mobility, and thermodynamic stability) performed at Invitae indicates that this missense variant is expected to disrupt DEAF1 protein function. For these reasons, this variant has been classified as Pathogenic. Experimental studies have shown that this missense change affects DEAF1 function (PMID: 30923367). ClinVar contains an entry for this variant (Variation ID: 1456124). This missense change has been observed in individual(s) with autosomal dominant DEAF1-related conditions (PMID: 30923367). In at least one individual the variant was observed to be de novo. This variant is not present in population databases (gnomAD no frequency). This sequence change replaces leucine, which is neutral and non-polar, with serine, which is neutral and polar, at codon 272 of the DEAF1 protein (p.Leu272Ser).

Literature cited by the submitters: PubMed 30923367.